The following is an entry in ClinVar:

ClinVar aggregate classification (germline): Uncertain significance (1 of 4 stars; one submission).

Conditions:
Bardet-Biedl syndrome (BBS). Identifiers: Orphanet 110, MedGen C0752166, MONDO:0015229.

Submission:

Labcorp Genetics (formerly Invitae), Labcorp
Classification: Uncertain significance for Bardet-Biedl syndrome. Last evaluated: 2025-06-12. Review status: criteria provided, single submitter. Criteria: Invitae Variant Classification Sherloc (09022015). Collection method: clinical testing. Allele origin: germline.
Comment: This sequence change replaces cysteine, which is neutral and slightly polar, with serine, which is neutral and polar, at codon 304 of the BBS12 protein (p.Cys304Ser). This variant is not present in population databases (gnomAD no frequency). This variant has not been reported in the literature in individuals affected with BBS12-related conditions. ClinVar contains an entry for this variant (Variation ID: 2102661). Invitae Evidence Modeling of protein sequence and biophysical properties (such as structural, functional, and spatial information, amino acid conservation, physicochemical variation, residue mobility, and thermodynamic stability) indicates that this missense variant is not expected to disrupt BBS12 protein function with a negative predictive value of 80%. In summary, the available evidence is currently insufficient to determine the role of this variant in disease. Therefore, it has been classified as a Variant of Uncertain Significance.

NM_152618.3(BBS12):c.911G>C (p.Cys304Ser)

Gene: BBS12 (Bardet-Biedl syndrome 12; plus strand). Cytogenetic location: 4q27.
Variant type: single nucleotide variant.
Coding change: c.911G>C on transcript NM_152618.3 (MANE Select); coding-DNA position 911, G replaced by C.
Protein change: p.Cys304Ser; replaces cysteine 304 with serine.
Molecular consequence: missense variant.
Genome position (GRCh38, 1-based): chr4:122,742,803, G>C. VCF-style: chr4-122742803-G-C. GRCh37 (hg19) VCF-style: chr4-123663958-G-C.
Other names: c.911G>C, p.Cys304Ser (NM_001178007.2); short protein forms C304S.
Identifiers: ClinVar variation 2102661 (VCV002102661.4), dbSNP rs147734969, ClinGen allele CA358223979.
Genomic context (GRCh38, chr4:122,742,803, plus strand): 5'-AGTTAGTAGAAGAAGCAGTACAGCTGCAATATCAGAATGCTTGTGTGCAACAAGGCAACT[G>C]TACAAAACCATTTATGTTTGACATTTCAAGAATTTTCACTTGCTGTCTACCAGGCTTACC-3'
Protein context (NP_689831.2, residues 294-314): YQNACVQQGN[Cys304Ser]TKPFMFDISR